The following is an entry in ClinVar:

NC_000005.10:g.112849722C>A

Variant type: single nucleotide variant.
Genome position: GRCh38 VCF-style: chr5-112849722-C-A. GRCh37 (hg19) VCF-style: chr5-112185419-C-A.
Identifiers: ClinVar variation 83294 (VCV000083294.3), dbSNP rs75765930, ClinGen allele CA250986.
Genomic context (GRCh38, chr5:112,849,722, plus strand): 5'-GACTAGAAAATCAGCCTTAGAAACTGATTTTTCTAAGTGGATATTGTTTCACAGTGGAAA[C>A]AATATCCAAACCATACTGTGAGACTGCAGTAAAGACTTAGATGCTACCCCTAAATGCTGG-3'

ClinVar aggregate classification (germline): other (0 of 4 stars; one submission).

Conditions:
Familial colorectal cancer. Identifiers: MedGen CN280943, MONDO:0023113. Disease mechanism: loss of function.

Submission:

Systems Biology Platform Zhejiang California International NanoSystems Institute
Classification: other for Familial colorectal cancer. Review status: no assertion criteria provided. Collection method: not provided. Allele origin: unknown.
ClinVar note: Converted during submission from cancer to other.